The following is an entry in ClinVar:

ClinVar aggregate classification (germline): Uncertain significance. Review status: criteria provided, multiple submitters, no conflicts (2 of 4 stars). 2 submissions from 2 submitters: Uncertain significance (2). Last evaluated 2025-06-04.

Conditions:
Inborn genetic diseases. Identifiers: MedGen C0950123, MeSH D030342.

Submissions (2):

GeneDx
Classification: Uncertain significance. Last evaluated: 2025-06-04. Review status: criteria provided, single submitter. Criteria: GeneDx Variant Classification Process June 2021. Collection method: clinical testing. Allele origin: germline. Affected: yes.
Comment: Not observed at significant frequency in large population cohorts (gnomAD); In silico analysis suggests that this missense variant does not alter protein structure/function; Has not been previously published as pathogenic or benign to our knowledge

Ambry Genetics
Classification: Uncertain significance for Inborn genetic diseases. Last evaluated: 2025-04-03. Review status: criteria provided, single submitter. Criteria: Ambry Variant Classification Scheme 2023. Collection method: clinical testing. Allele origin: germline.

NM_181523.3(PIK3R1):c.531C>G (p.Ile177Met)

Gene: PIK3R1 (phosphoinositide-3-kinase regulatory subunit 1; plus strand). Cytogenetic location: 5q13.1.
Variant type: single nucleotide variant.
Coding change: c.531C>G on transcript NM_181523.3 (MANE Select); coding-DNA position 531, C replaced by G.
Protein change: p.Ile177Met; replaces isoleucine 177 with methionine.
Molecular consequence: missense variant.
Genome position (GRCh38, 1-based): chr5:68,279,630, C>G. VCF-style: chr5-68279630-C-G. GRCh37 (hg19) VCF-style: chr5-67575458-C-G.
Other names: short protein forms I177M.
Identifiers: ClinVar variation 3932448 (VCV003932448.2).
Genomic context (GRCh38, chr5:68,279,630, plus strand): 5'-ATGTCTGAAATATTTCTTAAATTGTTTCCTAGATACACCCTCCGTGGACTTGGAAATGAT[C>G]GATGTGCACGTTTTGGCTGACGCTTTCAAACGCTATCTCCTGGACTTACCAAATCCTGTC-3'
Protein context (NP_852664.1, residues 167-187): CDTPSVDLEM[Ile177Met]DVHVLADAFK